The following is an entry in ClinVar:

ClinVar aggregate classification (germline): Benign/Likely benign. Review status: criteria provided, multiple submitters, no conflicts (2 of 4 stars). 9 submissions from 9 submitters: Benign (3); Likely benign (4). 2 of the submissions do not count toward it. Last evaluated 2026-05-28.

Conditions:
DMD-related disorder. Also called: DMD-related condition.
Becker muscular dystrophy (BMD). Also called: MUSCULAR DYSTROPHY, PSEUDOHYPERTROPHIC PROGRESSIVE, BECKER TYPE; Becker Muscular Dystrophy (BMD). Identifiers: Orphanet 98895, MedGen C0917713, MONDO:0010311, OMIM 300376.
Cardiomyopathy (CMYO). Also called: Cardiomyopathies. Identifiers: Orphanet 167848, MedGen C0878544, MONDO:0004994, HP:0001638. Inheritance: Various modes of inheritance.
Dystrophin deficiency.
Duchenne muscular dystrophy (DMD). Also called: MUSCULAR DYSTROPHY, PSEUDOHYPERTROPHIC PROGRESSIVE, DUCHENNE TYPE; Duchenne Muscular Dystrophy (DMD). Identifiers: Orphanet 98896, MedGen C0013264, MONDO:0010679, OMIM 310200.
Cardiovascular phenotype. Identifiers: MedGen CN230736.
Abnormality of neuronal migration. Identifiers: MedGen C1837249, HP:0002269.

Allele frequency attached by ClinVar (database versions not stated): gnomAD exomes 0.00020; ExAC 0.00026; ESP Exome Variant Server 0.00038; gnomAD 0.00063 and 0.00066; TOPMed 0.00069; 1000 Genomes Project 0.00132; 1000 Genomes Project 30x 0.00146.
gnomAD v4.1: 180 of 1,209,738 alleles (0.015%); highest among the groups gnomAD compares: African/African-American, 0.23%; no homozygotes.

Submissions (9):

PreventionGenetics, part of Exact Sciences
Classification: Likely benign for DMD-related condition. Last evaluated: 2026-05-28. Review status: criteria provided, single submitter. Criteria: ACMG Guidelines, 2015. Collection method: clinical testing. Allele origin: germline.
Comment: This variant is classified as likely benign based on ACMG/AMP sequence variant interpretation guidelines (Richards et al. 2015 PMID: 25741868, with internal and published modifications).

Labcorp Genetics (formerly Invitae), Labcorp
Classification: Benign for Duchenne muscular dystrophy. Last evaluated: 2026-01-31. Review status: criteria provided, single submitter. Criteria: Invitae Variant Classification Sherloc (09022015). Collection method: clinical testing. Allele origin: germline.

CeGaT Center for Human Genetics Tuebingen
Classification: Likely benign. Last evaluated: 2025-09-01. Review status: criteria provided, single submitter. Criteria: CeGaT Center For Human Genetics Tuebingen Variant Classification Criteria Version 2. Collection method: clinical testing. Allele origin: germline. Affected: yes. Observed: 1 variant allele.
Comment: DMD: BP4, BS2

Molecular Diagnostic Laboratory for Inherited Cardiovascular Disease, Montreal Heart Institute
Classification: Likely benign. Last evaluated: 2025-07-24. Review status: criteria provided, single submitter. Criteria: ACMG Guidelines, 2015. Collection method: clinical testing. Allele origin: germline. Affected: no.
Comment: BS1;BP1;BP4

GeneDx
Classification: Benign. Last evaluated: 2020-03-19. Review status: criteria provided, single submitter. Criteria: GeneDx Variant Classification Process June 2021. Collection method: clinical testing. Allele origin: germline. Affected: yes.

Ambry Genetics
Classification: Benign for Cardiovascular phenotype. Last evaluated: 2019-01-25. Review status: criteria provided, single submitter. Criteria: Ambry Variant Classification Scheme 2023. Collection method: clinical testing. Allele origin: germline.

Eurofins Ntd Llc (ga)
Classification: Likely benign. Last evaluated: 2017-11-02. Review status: criteria provided, single submitter. Criteria: EGL Classification Definitions 2015. Collection method: clinical testing. Allele origin: germline. Observed: 2 variant alleles, 1 heterozygote, 1 hemizygote.

Natera, Inc.
Classification: Likely benign for Becker muscular dystrophy; Cardiomyopathy; Duchenne muscular dystrophy; Dystrophin deficiency. Last evaluated: 2020-10-08. Review status: no assertion criteria provided. Collection method: clinical testing. Allele origin: germline. Not counted in ClinVar's aggregate classification.

Génétique et pathophysiologie de maladies neurodéveloppementales et épileptogènes, Institut de génétique et de biologie moléculaire et cellulaire
Classification: Benign for Malformation of Cortical Development. Last evaluated: 2014-10-31. Review status: no assertion criteria provided. Collection method: clinical testing. Allele origin: unknown. Affected: yes. Observed: 1 variant allele, 1 hemizygote. Not counted in ClinVar's aggregate classification.

NM_004006.3(DMD):c.8308G>A (p.Asp2770Asn)

Gene: DMD (dystrophin; minus strand). Cytogenetic location: Xp21.1.
Variant type: single nucleotide variant.
Coding change: c.8308G>A on transcript NM_004006.3 (MANE Select); coding-DNA position 8308, G replaced by A.
Protein change: p.Asp2770Asn; replaces aspartic acid 2770 with asparagine.
Molecular consequence: missense variant.
Genome position (GRCh38, 1-based): chrX:31,507,363, C>T on the plus strand (G>A on the coding strand, the complement: DMD is on the minus strand). VCF-style: chrX-31507363-C-T. GRCh37 (hg19) VCF-style: chrX-31525480-C-T.
Other names: c.8284G>A, p.Asp2762Asn (NM_000109.4); c.8296G>A, p.Asp2766Asn (NM_004009.3); c.7939G>A, p.Asp2647Asn (NM_004010.3); c.4285G>A, p.Asp1429Asn (NM_004011.4); c.4276G>A, p.Asp1426Asn (NM_004012.4); c.928G>A, p.Asp310Asn (NM_004013.3, NM_004020.4, NM_004021.3 and 2 more transcripts); c.121G>A, p.Asp41Asn (NM_004014.3); short protein forms D2770N, D310N, D2762N, D1426N, D1429N, D2647N, D41N, D2766N.
Identifiers: ClinVar variation 201740 (VCV000201740.28), dbSNP rs138399787, ClinGen allele CA211194.